The following is an entry in ClinVar:

ClinVar aggregate classification (germline): Uncertain significance (1 of 4 stars; one submission).

Submission:

Labcorp Genetics (formerly Invitae), Labcorp
Classification: Uncertain significance. Last evaluated: 2024-02-17. Review status: criteria provided, single submitter. Criteria: Invitae Variant Classification Sherloc (09022015). Collection method: clinical testing. Allele origin: germline.
Comment: This sequence change replaces phenylalanine, which is neutral and non-polar, with cysteine, which is neutral and slightly polar, at codon 935 of the LCT protein (p.Phe935Cys). This variant is not present in population databases (gnomAD no frequency). This variant has not been reported in the literature in individuals affected with LCT-related conditions. ClinVar contains an entry for this variant (Variation ID: 1379057). Advanced modeling of protein sequence and biophysical properties (such as structural, functional, and spatial information, amino acid conservation, physicochemical variation, residue mobility, and thermodynamic stability) performed at Invitae indicates that this missense variant is not expected to disrupt LCT protein function with a negative predictive value of 80%. In summary, the available evidence is currently insufficient to determine the role of this variant in disease. Therefore, it has been classified as a Variant of Uncertain Significance.

NM_002299.4(LCT):c.2804T>G (p.Phe935Cys)

Gene: LCT (lactase; minus strand). Cytogenetic location: 2q21.3.
Variant type: single nucleotide variant.
Coding change: c.2804T>G on transcript NM_002299.4 (MANE Select); coding-DNA position 2804, T replaced by G.
Protein change: p.Phe935Cys; replaces phenylalanine 935 with cysteine.
Molecular consequence: missense variant.
Genome position (GRCh38, 1-based): chr2:135,809,543, A>C on the plus strand (T>G on the coding strand, the complement: LCT is on the minus strand). VCF-style: chr2-135809543-A-C. GRCh37 (hg19) VCF-style: chr2-136567113-A-C.
Other names: short protein forms F935C.
Identifiers: ClinVar variation 1379057 (VCV001379057.6), dbSNP rs2105534410, ClinGen allele CA348601736.